The following is an entry in ClinVar:

NM_032482.3(DOT1L):c.3121G>T (p.Ala1041Ser)

Gene: DOT1L (DOT1 like histone lysine methyltransferase; plus strand). Cytogenetic location: 19p13.3.
Variant type: single nucleotide variant.
Coding change: c.3121G>T on transcript NM_032482.3 (MANE Select); coding-DNA position 3121, G replaced by T.
Protein change: p.Ala1041Ser; replaces alanine 1041 with serine.
Molecular consequence: missense variant.
Genome position (GRCh38, 1-based): chr19:2,222,290, G>T. VCF-style: chr19-2222290-G-T. GRCh37 (hg19) VCF-style: chr19-2222289-G-T.
Other names: c.3121G>T, p.Ala1041Ser (NM_001411141.1); short protein forms A1041S.
Identifiers: ClinVar variation 4819936 (VCV004819936.1).

ClinVar aggregate classification (germline): Likely benign (1 of 4 stars; one submission).

Conditions:
Nil-Deshwar neurodevelopmental syndrome. Identifiers: MedGen C6012751, MONDO:0979246, OMIM 621265.

Submission:

Centre for Medical Genetics,  Mumbai
Classification: Likely benign for Nil-Deshwar neurodevelopmental syndrome. Last evaluated: 2026-03-11. Review status: criteria provided, single submitter. Criteria: ACMG Guidelines, 2015. Collection method: provider interpretation. Allele origin: germline. Inheritance: Autosomal dominant inheritance. Affected: no. Observed: 1 variant allele, 1 heterozygote.
Comment: The variant satisfies PM2 criteria; Extremely low frequency in gnomAD population databases. The variant satisfies BP4 criteria; For a missense or a splice region variant, computational prediction tools unanimously support a benign effect on the gene. However, the variant satisfies BS2 criteria.

Literature cited by the submitters: PubMed 37827158.